The following is an entry in ClinVar:

ClinVar aggregate classification (germline): Conflicting classifications of pathogenicity. Review status: criteria provided, conflicting classifications (1 of 4 stars). 6 submissions from 6 submitters: Pathogenic (1); Likely pathogenic (2); Uncertain significance (2). 1 of the submissions does not count toward it. Last evaluated 2024-11-25.

Conditions:
PDE6B-related disorder. Also called: PDE6B-related disease; PDE6B-related condition; PDE6B-related disorders.
Retinal dystrophy. Also called: Inherited retinal dystrophy. Identifiers: Orphanet 71862, MedGen C0854723, MeSH D058499, MONDO:0019118, HP:0000556.
Retinitis pigmentosa (RP). Identifiers: Orphanet 791, MedGen C0035334, MeSH D012174, MONDO:0019200, OMIM 268000. Inheritance: Autosomal dominant, autosomal recessive and X linked inheritance.
Retinitis pigmentosa 40 (RP40). Identifiers: Orphanet 791, MedGen C3151107, MONDO:0013429, OMIM 613801.

Allele frequency attached by ClinVar (database versions not stated): gnomAD 0.00001; gnomAD exomes 0.00001; TOPMed 0.00003; ExAC 0.00007.

Submissions (6):

Blueprint Genetics
Classification: Pathogenic for PDE6B-related disorders. Last evaluated: 2024-11-25. Review status: criteria provided, single submitter. Criteria: ACMG Guidelines, 2015. Collection method: clinical testing. Allele origin: germline. Affected: yes. Observed: 5 variant alleles.

Labcorp Genetics (formerly Invitae), Labcorp
Classification: Likely pathogenic. Last evaluated: 2023-10-29. Review status: criteria provided, single submitter. Criteria: Invitae Variant Classification Sherloc (09022015). Collection method: clinical testing. Allele origin: germline.
Comment: This sequence change replaces glutamic acid, which is acidic and polar, with lysine, which is basic and polar, at codon 129 of the PDE6B protein (p.Glu129Lys). The frequency data for this variant in the population databases is considered unreliable, as metrics indicate poor data quality at this position in the gnomAD database. This missense change has been observed in individual(s) with retinitis pigmentosa, and cone-rod dystrophy (PMID: 30029497, 30718709, 31630094, 33090715, 35836572, 36460718). In at least one individual the data is consistent with being in trans (on the opposite chromosome) from a pathogenic variant. ClinVar contains an entry for this variant (Variation ID: 636062). Advanced modeling of protein sequence and biophysical properties (such as structural, functional, and spatial information, amino acid conservation, physicochemical variation, residue mobility, and thermodynamic stability) has been performed at Invitae for this missense variant, however the output from this modeling did not meet the statistical confidence thresholds required to predict the impact of this variant on PDE6B protein function. In summary, the currently available evidence indicates that the variant is pathogenic, but additional data are needed to prove that conclusively. Therefore, this variant has been classified as Likely Pathogenic.

Broad Center for Mendelian Genomics, Broad Institute of MIT and Harvard
Classification: Uncertain significance for Retinitis pigmentosa. Last evaluated: 2021-04-01. Review status: criteria provided, single submitter. Criteria: ACMG Guidelines, 2015. Collection method: curation. Allele origin: germline. Inheritance: Autosomal recessive inheritance. Affected: yes.
Comment: Through a review of available evidence we were able to apply the following criteria: PM2, PP3. Based on this evidence we have classified this variant as a Variant of Uncertain Significance. If you have any questions about the classification please reach out to the Pierce Lab.

Centre for Mendelian Genomics, University Medical Centre Ljubljana
Classification: Uncertain significance for Retinitis pigmentosa 40. Last evaluated: 2020-03-25. Review status: criteria provided, single submitter. Criteria: ACMG Guidelines, 2015. Collection method: clinical testing. Allele origin: unknown. Affected: yes.
Comment: This variant was classified as: Uncertain significance. The available evidence favors the pathogenic nature of this variant, however the currently available data is insufficient to conclusively support its pathogenic nature. Thus this variant is classified as Uncertain significance - favor pathogenic. The following ACMG criteria were applied in classifying this variant: PM2,PP3.

Institute of Human Genetics, Univ. Regensburg, Univ. Regensburg
Classification: Likely pathogenic for Retinal dystrophy. Last evaluated: 2020-01-01. Review status: criteria provided, single submitter. Criteria: ACMG Guidelines, 2015. Collection method: clinical testing. Allele origin: germline. Affected: yes.

Department of Clinical Genetics, Copenhagen University Hospital, Rigshospitalet
Classification: Uncertain significance for Retinitis pigmentosa. Last evaluated: 2018-04-01. Review status: no assertion criteria provided. Collection method: research. Allele origin: unknown. Affected: yes. Study: VeluxRD. Not counted in ClinVar's aggregate classification.

Literature cited by the submitters: PubMed 30029497 (cited by Labcorp Genetics (formerly Invitae), Labcorp and Institute of Human Genetics, Univ. Regensburg, Univ. Regensburg); PubMed 30718709 (cited by 3 submitters); PubMed 31630094 (cited by Labcorp Genetics (formerly Invitae), Labcorp and Institute of Human Genetics, Univ. Regensburg, Univ. Regensburg); PubMed 33090715 (cited by Labcorp Genetics (formerly Invitae), Labcorp and Institute of Human Genetics, Univ. Regensburg, Univ. Regensburg); PubMed 35836572 (cited by Labcorp Genetics (formerly Invitae), Labcorp and Institute of Human Genetics, Univ. Regensburg, Univ. Regensburg); PubMed 36460718 (cited by Labcorp Genetics (formerly Invitae), Labcorp and Institute of Human Genetics, Univ. Regensburg, Univ. Regensburg); PubMed 34906470 (cited by Broad Center for Mendelian Genomics, Broad Institute of MIT and Harvard).

NM_000283.4(PDE6B):c.385G>A (p.Glu129Lys)

Gene: PDE6B (phosphodiesterase 6B; plus strand). Cytogenetic location: 4p16.3.
Variant type: single nucleotide variant.
Coding change: c.385G>A on transcript NM_000283.4 (MANE Select); coding-DNA position 385, G replaced by A.
Protein change: p.Glu129Lys; replaces glutamic acid 129 with lysine.
Molecular consequence: missense variant.
Genome position (GRCh38, 1-based): chr4:626,011, G>A. VCF-style: chr4-626011-G-A. GRCh37 (hg19) VCF-style: chr4-619800-G-A.
Other names: c.385G>A, p.Glu129Lys (NM_001145291.2); short protein forms E129K.
Identifiers: ClinVar variation 636062 (VCV000636062.16), dbSNP rs749657417, ClinGen allele CA2793926.
Genomic context (GRCh38, chr4:626,011, plus strand): 5'-AGGCTTTTCAGCGTGCAGCCGGACAGCGTCCTGGAGGACTGCCTGGTGCCCCCCGACTCC[G>A]AGATCGTCTTCCCACTGGACATCGGGGTCGTGGGCCACGTGGCTCAGACCAAAAAGATGG-3'
Protein context (NP_000274.3, residues 119-139): LEDCLVPPDS[Glu129Lys]IVFPLDIGVV